The following is an entry in ClinVar:

ClinVar aggregate classification (germline): Likely pathogenic. Review status: criteria provided, single submitter (1 of 4 stars). 2 submissions from 2 submitters: Likely pathogenic (1). 1 of the submissions does not count toward it. Last evaluated 2023-12-01.

Conditions:
Nephronophthisis 16 (NPHP16). Identifiers: Orphanet 655, MedGen C3809320, MONDO:0014158, OMIM 615382.

Allele frequency attached by ClinVar (database versions not stated): gnomAD exomes below 0.00001; TOPMed below 0.00001.
gnomAD v4.1: 3 of 1,605,276 alleles (0.00019%); highest among the groups gnomAD compares: East Asian, 0.0067%; no homozygotes.

Submissions (2):

Precision Medicine Center, Zhengzhou University
Classification: Likely pathogenic for Nephronophthisis 16. Last evaluated: 2023-12-01. Review status: criteria provided, single submitter. Criteria: ACMG Guidelines, 2015. Collection method: clinical testing. Allele origin: paternal.
Comment: PVS1,PM2_p,PM3

Institute of Pediatric Research, Xinhua Hospital affiliated to Shanghai Jiao Tong University School of Medicine
Classification: Pathogenic for Nephronophthisis 16. Last evaluated: 2022-10-08. Review status: no assertion criteria provided. Collection method: clinical testing. Allele origin: germline. Affected: yes. Observed: 1 variant allele. Not counted in ClinVar's aggregate classification.

Literature cited by the submitters: PubMed 33323469 (cited by Precision Medicine Center, Zhengzhou University).

NM_173551.5(ANKS6):c.2394+1G>A

Gene: ANKS6 (ankyrin repeat and sterile alpha motif domain containing 6; minus strand). Cytogenetic location: 9q22.33.
Variant type: single nucleotide variant.
Coding change: c.2394+1G>A on transcript NM_173551.5 (MANE Select); the canonical splice donor site of the intron after coding-DNA position 2394, G replaced by A.
Molecular consequence: splice donor variant.
Genome position (GRCh38, 1-based): chr9:98,751,028, C>T on the plus strand (G>A on the coding strand, the complement: ANKS6 is on the minus strand). VCF-style: chr9-98751028-C-T. GRCh37 (hg19) VCF-style: chr9-101513310-C-T.
Identifiers: ClinVar variation 1710088 (VCV001710088.3), dbSNP rs897128993, ClinGen allele CA196824274.